The following is an entry in ClinVar:

ClinVar aggregate classification (germline): Pathogenic. Review status: criteria provided, multiple submitters, no conflicts (2 of 4 stars). 3 submissions from 3 submitters: Pathogenic (2). 1 of the submissions does not count toward it. Last evaluated 2025-07-10.

Conditions:
Stuve-Wiedemann syndrome (STWS). Also called: Stüve-Wiedemann syndrome. Identifiers: Orphanet 3206, MedGen C0796176, MONDO:0031280.

Submissions (3):

Natera, Inc.
Classification: Pathogenic for Stuve-Wiedemann syndrome. Last evaluated: 2025-07-10. Review status: criteria provided, single submitter. Criteria: Natera Variant Classification Schema (03/2026). Collection method: clinical testing. Allele origin: germline.
Comment: The c.2013dupT variant in LIFR is a frameshift variant predicted to shift the reading frame beginning at codon 672 and leads to a stop codon 12 codons downstream. This variant is expected to result in nonsense mediated decay, truncation, or a dysfunctional protein product. This variant is rare in the general population with a frequency below the threshold expected for the associated phenotype(s). This variant has been observed in one or more individuals affected with the associated recessive disease, as either homozygous or compound heterozygous with a second variant (PMID: 14740318). Given the available evidence, this variant is classified as Pathogenic.

Labcorp Genetics (formerly Invitae), Labcorp
Classification: Pathogenic. Last evaluated: 2023-08-29. Review status: criteria provided, single submitter. Criteria: Invitae Variant Classification Sherloc (09022015). Collection method: clinical testing. Allele origin: germline.
Comment: For these reasons, this variant has been classified as Pathogenic. ClinVar contains an entry for this variant (Variation ID: 14461). This variant is also known as 2011_2012insT. This premature translational stop signal has been observed in individual(s) with Stuve-Wiedemann syndrome (PMID: 14740318). This variant is present in population databases (no rsID available, gnomAD 0.0009%). This sequence change creates a premature translational stop signal (p.Met672Tyrfs*12) in the LIFR gene. It is expected to result in an absent or disrupted protein product. Loss-of-function variants in LIFR are known to be pathogenic (PMID: 14740318).

OMIM
Classification: Pathogenic for STUVE-WIEDEMANN SYNDROME 1. Last evaluated: 2004-02-01. Review status: no assertion criteria provided. Collection method: literature only. Allele origin: germline. Not counted in ClinVar's aggregate classification.

Literature cited by the submitters: PubMed 14740318 (cited by 3 submitters).

NM_001127671.2(LIFR):c.2013dup (p.Met672fs)

Gene: LIFR (LIF receptor subunit alpha; minus strand). Cytogenetic location: 5p13.1.
Variant type: Duplication.
Coding change: c.2013dup on transcript NM_001127671.2 (MANE Select); coding-DNA position 2013, one base duplicated (T; older notation c.2013dupT).
Protein change: p.Met672fs; shifts the reading frame from methionine 672.
Molecular consequence: frameshift variant.
Genome position (GRCh38, 1-based): chr5:38,493,658, A duplicated on the plus strand (T on the coding strand, the reverse complement: LIFR is on the minus strand); the first of 2 consecutive A bases (chr5:38,493,658-38,493,659); duplicating either gives the same sequence. VCF-style (leftmost placement, unchanged base first): chr5-38493657-T-TA. GRCh37 (hg19) VCF-style: chr5-38493759-T-TA.
Other names: c.2013dup, p.Met672fs (NM_001364297.2, NM_001364298.2, NM_002310.6); c.2013dupT (NM_002310.5); short protein forms M672fs.
Identifiers: ClinVar variation 14461 (VCV000014461.11), dbSNP rs1430793861, ClinGen allele CA559296090.